The following is an entry in ClinVar:

NM_001854.4(COL11A1):c.5410T>C (p.Phe1804Leu)

Gene: COL11A1 (collagen type XI alpha 1 chain; minus strand). Cytogenetic location: 1p21.1.
Variant type: single nucleotide variant.
Coding change: c.5410T>C on transcript NM_001854.4 (MANE Select); coding-DNA position 5410, T replaced by C.
Protein change: p.Phe1804Leu; replaces phenylalanine 1804 with leucine.
Molecular consequence: missense variant. On other transcripts: non-coding transcript variant (1).
Genome position (GRCh38, 1-based): chr1:102,878,030, A>G on the plus strand (T>C on the coding strand, the complement: COL11A1 is on the minus strand). VCF-style: chr1-102878030-A-G. GRCh37 (hg19) VCF-style: chr1-103343586-A-G.
Other names: c.5293T>C, p.Phe1765Leu (NM_001190709.2); c.5446T>C, p.Phe1816Leu (NM_080629.3); c.5062T>C, p.Phe1688Leu (NM_080630.4); c.5410T>C (NM_001854.3); short protein forms F1816L, F1804L, F1765L, F1688L.
Identifiers: ClinVar variation 1473794 (VCV001473794.9), dbSNP rs546905537, ClinGen allele CA973246.

ClinVar aggregate classification (germline): Uncertain significance. Review status: criteria provided, multiple submitters, no conflicts (2 of 4 stars). 2 submissions from 2 submitters: Uncertain significance (2). Last evaluated 2025-12-29.

Conditions:
Inborn genetic diseases. Identifiers: MedGen C0950123, MeSH D030342.

Allele frequency attached by ClinVar (database versions not stated): gnomAD exomes below 0.00001; ExAC 0.00001; gnomAD 0.00001; 1000 Genomes Project 30x 0.00016; 1000 Genomes Project 0.00020.
gnomAD v4.1: 2 of 1,613,546 alleles (0.00012%); highest among the groups gnomAD compares: Admixed American, 0.0017%; no homozygotes.

Submissions (2):

Ambry Genetics
Classification: Uncertain significance for Inborn genetic diseases. Last evaluated: 2025-12-29. Review status: criteria provided, single submitter. Criteria: Ambry Variant Classification Scheme 2023. Collection method: clinical testing. Allele origin: germline.
Comment: The c.5410T>C (p.F1804L) alteration is located in exon 67 (coding exon 67) of the COL11A1 gene. This alteration results from a T to C substitution at nucleotide position 5410, causing the phenylalanine (F) at amino acid position 1804 to be replaced by a leucine (L). Based on data from gnomAD, the C allele has an overall frequency of <0.001% (1/250996) total alleles studied. The highest observed frequency was 0.003% (1/34544) of Latino alleles. Based on insufficient or conflicting evidence, the clinical significance of this alteration remains unclear.

Labcorp Genetics (formerly Invitae), Labcorp
Classification: Uncertain significance. Last evaluated: 2022-07-06. Review status: criteria provided, single submitter. Criteria: Invitae Variant Classification Sherloc (09022015). Collection method: clinical testing. Allele origin: germline.
Comment: This variant has not been reported in the literature in individuals affected with COL11A1-related conditions. ClinVar contains an entry for this variant (Variation ID: 1473794). Advanced modeling of protein sequence and biophysical properties (such as structural, functional, and spatial information, amino acid conservation, physicochemical variation, residue mobility, and thermodynamic stability) performed at Invitae indicates that this missense variant is expected to disrupt COL11A1 protein function. In summary, the available evidence is currently insufficient to determine the role of this variant in disease. Therefore, it has been classified as a Variant of Uncertain Significance. This sequence change replaces phenylalanine, which is neutral and non-polar, with leucine, which is neutral and non-polar, at codon 1804 of the COL11A1 protein (p.Phe1804Leu). This variant is present in population databases (rs546905537, gnomAD 0.003%).